The following is an entry in ClinVar:

ClinVar aggregate classification (germline): Uncertain significance (1 of 4 stars; one submission).

Conditions:
Progressive sclerosing poliodystrophy (MTDPS4A). Also called: ALPERS PROGRESSIVE INFANTILE POLIODYSTROPHY; NEURONAL DEGENERATION OF CHILDHOOD WITH LIVER DISEASE, PROGRESSIVE; Alpers Syndrome; ALPERS DIFFUSE DEGENERATION OF CEREBRAL GRAY MATTER WITH HEPATIC CIRRHOSIS; Alpers-Huttenlocher Syndrome; Mitochondrial DNA Depletion Syndrome 4A. Identifiers: Orphanet 726, MedGen C0205710, MONDO:0008758, OMIM 203700.

Allele frequency attached by ClinVar (database versions not stated): gnomAD exomes below 0.00001.
gnomAD v4.1: 2 of 1,614,052 alleles (0.00012%); highest among the groups gnomAD compares: Non-Finnish European, 0.00017%; no homozygotes.

Submission:

Labcorp Genetics (formerly Invitae), Labcorp
Classification: Uncertain significance for Progressive sclerosing poliodystrophy. Last evaluated: 2023-05-16. Review status: criteria provided, single submitter. Criteria: Invitae Variant Classification Sherloc (09022015). Collection method: clinical testing. Allele origin: germline.
Comment: In summary, the available evidence is currently insufficient to determine the role of this variant in disease. Therefore, it has been classified as a Variant of Uncertain Significance. Advanced modeling of protein sequence and biophysical properties (such as structural, functional, and spatial information, amino acid conservation, physicochemical variation, residue mobility, and thermodynamic stability) performed at Invitae indicates that this missense variant is expected to disrupt POLG protein function. This variant has not been reported in the literature in individuals affected with POLG-related conditions. This variant is not present in population databases (gnomAD no frequency). This sequence change replaces aspartic acid, which is acidic and polar, with valine, which is neutral and non-polar, at codon 683 of the POLG protein (p.Asp683Val).

NM_002693.3(POLG):c.2048A>T (p.Asp683Val)

Gene: POLG (DNA polymerase gamma, catalytic subunit; minus strand). Cytogenetic location: 15q26.1.
Variant type: single nucleotide variant.
Coding change: c.2048A>T on transcript NM_002693.3 (MANE Select); coding-DNA position 2048, A replaced by T.
Protein change: p.Asp683Val; replaces aspartic acid 683 with valine.
Molecular consequence: missense variant.
Genome position (GRCh38, 1-based): chr15:89,324,129, T>A on the plus strand (A>T on the coding strand, the complement: POLG is on the minus strand). VCF-style: chr15-89324129-T-A. GRCh37 (hg19) VCF-style: chr15-89867360-T-A.
Other names: c.2048A>T, p.Asp683Val (NM_001126131.2); short protein forms D683V.
Identifiers: ClinVar variation 2778435 (VCV002778435.3), dbSNP rs1807690049, ClinGen allele CA393757484.